The following is an entry in ClinVar:

ClinVar aggregate classification (germline): Uncertain significance. Review status: criteria provided, multiple submitters, no conflicts (2 of 4 stars). 2 submissions from 2 submitters: Uncertain significance (2). Last evaluated 2022-04-16.

Conditions:
Inborn genetic diseases. Identifiers: MedGen C0950123, MeSH D030342.
Maple syrup urine disease (MSUD). Identifiers: Orphanet 511, MedGen C0024776, MeSH D008375, MONDO:0009563. Disease mechanism: loss of function.

Allele frequency attached by ClinVar (database versions not stated): gnomAD exomes below 0.00001; gnomAD 0.00002; TOPMed 0.00002.
gnomAD v4.1: 4 of 1,608,946 alleles (0.00025%); highest among the groups gnomAD compares: African/African-American, 0.0053%; no homozygotes.

Submissions (2):

Labcorp Genetics (formerly Invitae), Labcorp
Classification: Uncertain significance for Maple syrup urine disease. Last evaluated: 2022-04-16. Review status: criteria provided, single submitter. Criteria: Invitae Variant Classification Sherloc (09022015). Collection method: clinical testing. Allele origin: germline.
Comment: In summary, the available evidence is currently insufficient to determine the role of this variant in disease. Therefore, it has been classified as a Variant of Uncertain Significance. Algorithms developed to predict the effect of sequence changes on RNA splicing suggest that this variant may create or strengthen a splice site. Algorithms developed to predict the effect of missense changes on protein structure and function (SIFT, PolyPhen-2, Align-GVGD) all suggest that this variant is likely to be disruptive. This variant has not been reported in the literature in individuals affected with BCKDHB-related conditions. This variant is not present in population databases (gnomAD no frequency). This sequence change replaces isoleucine, which is neutral and non-polar, with threonine, which is neutral and polar, at codon 229 of the BCKDHB protein (p.Ile229Thr).

Ambry Genetics
Classification: Uncertain significance for Inborn genetic diseases. Last evaluated: 2021-12-20. Review status: criteria provided, single submitter. Criteria: Ambry Variant Classification Scheme 2023. Collection method: clinical testing. Allele origin: germline.

NM_183050.4(BCKDHB):c.686T>C (p.Ile229Thr)

Gene: BCKDHB (branched chain keto acid dehydrogenase E1 subunit beta; plus strand). Cytogenetic location: 6q14.1.
Variant type: single nucleotide variant.
Coding change: c.686T>C on transcript NM_183050.4 (MANE Select); coding-DNA position 686, T replaced by C.
Protein change: p.Ile229Thr; replaces isoleucine 229 with threonine.
Molecular consequence: missense variant. On other transcripts: non-coding transcript variant (1).
Genome position (GRCh38, 1-based): chr6:80,171,334, T>C. VCF-style: chr6-80171334-T-C. GRCh37 (hg19) VCF-style: chr6-80881051-T-C.
Other names: c.686T>C, p.Ile229Thr (NM_000056.5); c.476T>C, p.Ile159Thr (NM_001318975.1); short protein forms I159T, I229T.
Identifiers: ClinVar variation 1979466 (VCV001979466.5), dbSNP rs979043214, ClinGen allele CA142284284.
Genomic context (GRCh38, chr6:80,171,334, plus strand): 5'-TTTTGCAGGTGGTTATACCCAGAAGCCCTTTCCAGGCCAAAGGACTTCTTTTGTCATGCA[T>C]AGAGGATAAAAATCCTTGTATATTTTTTGAACCTAAAATACTTTACAGGGCAGCAGGTAA-3'
Protein context (NP_898871.1, residues 219-239): FQAKGLLLSC[Ile229Thr]EDKNPCIFFE